The following is an entry in ClinVar:

ClinVar aggregate classification (germline): Uncertain significance. Review status: criteria provided, multiple submitters, no conflicts (2 of 4 stars). 3 submissions from 3 submitters: Uncertain significance (3). Last evaluated 2025-10-22.

Conditions:
Vici syndrome (VICIS). Identifiers: Orphanet 1493, MedGen C1855772, MONDO:0009452, OMIM 242840.
Inborn genetic diseases. Identifiers: MedGen C0950123, MeSH D030342.

Allele frequency attached by ClinVar (database versions not stated): ExAC 0.00003; gnomAD exomes 0.00003; gnomAD 0.00004 and 0.00005; ESP Exome Variant Server 0.00009; TOPMed 0.00009.
gnomAD v4.1: 17 of 1,594,366 alleles (0.0011%); highest among the groups gnomAD compares: Middle Eastern, 0.017%; no homozygotes.

Submissions (3):

Ambry Genetics
Classification: Uncertain significance for Inborn genetic diseases. Last evaluated: 2025-10-22. Review status: criteria provided, single submitter. Criteria: Ambry Variant Classification Scheme 2023. Collection method: clinical testing. Allele origin: germline.

GeneDx
Classification: Uncertain significance. Last evaluated: 2025-04-10. Review status: criteria provided, single submitter. Criteria: GeneDx Variant Classification Process June 2021. Collection method: clinical testing. Allele origin: germline. Affected: yes.
Comment: Not observed at significant frequency in large population cohorts (gnomAD); In silico analysis indicates that this missense variant does not alter protein structure/function; Has not been previously published as pathogenic or benign to our knowledge

Labcorp Genetics (formerly Invitae), Labcorp
Classification: Uncertain significance for Vici syndrome. Last evaluated: 2022-07-05. Review status: criteria provided, single submitter. Criteria: Invitae Variant Classification Sherloc (09022015). Collection method: clinical testing. Allele origin: germline.
Comment: This sequence change replaces alanine, which is neutral and non-polar, with valine, which is neutral and non-polar, at codon 1842 of the EPG5 protein (p.Ala1842Val). This variant is present in population databases (rs367619633, gnomAD 0.01%). This variant has not been reported in the literature in individuals affected with EPG5-related conditions. ClinVar contains an entry for this variant (Variation ID: 1428214). Algorithms developed to predict the effect of missense changes on protein structure and function are either unavailable or do not agree on the potential impact of this missense change (SIFT: "Deleterious"; PolyPhen-2: "Benign"; Align-GVGD: "Class C0"). In summary, the available evidence is currently insufficient to determine the role of this variant in disease. Therefore, it has been classified as a Variant of Uncertain Significance.

NM_020964.3(EPG5):c.5525C>T (p.Ala1842Val)

Gene: EPG5 (ectopic P-granules 5 autophagy tethering factor; minus strand). Cytogenetic location: 18q12.3.
Variant type: single nucleotide variant.
Coding change: c.5525C>T on transcript NM_020964.3 (MANE Select); coding-DNA position 5525, C replaced by T.
Protein change: p.Ala1842Val; replaces alanine 1842 with valine.
Molecular consequence: missense variant.
Genome position (GRCh38, 1-based): chr18:45,880,217, G>A on the plus strand (C>T on the coding strand, the complement: EPG5 is on the minus strand). VCF-style: chr18-45880217-G-A. GRCh37 (hg19) VCF-style: chr18-43460182-G-A.
Other names: c.5525C>T (NM_020964.2); short protein forms A1842V.
Identifiers: ClinVar variation 1428214 (VCV001428214.6), dbSNP rs367619633, ClinGen allele CA8948564.